The following is an entry in ClinVar:

NM_000135.4(FANCA):c.2000C>G (p.Pro667Arg)

Gene: FANCA (FA complementation group A; minus strand). Cytogenetic location: 16q24.3.
Variant type: single nucleotide variant.
Coding change: c.2000C>G on transcript NM_000135.4 (MANE Select); coding-DNA position 2000, C replaced by G.
Protein change: p.Pro667Arg; replaces proline 667 with arginine.
Molecular consequence: missense variant.
Genome position (GRCh38, 1-based): chr16:89,773,285, G>C on the plus strand (C>G on the coding strand, the complement: FANCA is on the minus strand). VCF-style: chr16-89773285-G-C. GRCh37 (hg19) VCF-style: chr16-89839693-G-C.
Other names: c.2000C>G, p.Pro667Arg (NM_001286167.3); short protein forms P667R.
Identifiers: ClinVar variation 2998396 (VCV002998396.4), dbSNP rs755293596, ClinGen allele CA8251960.

ClinVar aggregate classification (germline): Uncertain significance. Review status: criteria provided, multiple submitters, no conflicts (2 of 4 stars). 2 submissions from 2 submitters: Uncertain significance (2). Last evaluated 2023-10-13.

Conditions:
Fanconi anemia (FA). Also called: Fanconi's anemia. Identifiers: Orphanet 84, MedGen C0015625, MeSH D005199, MONDO:0019391.

Allele frequency attached by ClinVar (database versions not stated): gnomAD 0.00001; ExAC 0.00005.
gnomAD v4.1: 16 of 1,550,794 alleles (0.001%); highest among the groups gnomAD compares: South Asian, 0.0024%; no homozygotes.

Submissions (2):

Labcorp Genetics (formerly Invitae), Labcorp
Classification: Uncertain significance for Fanconi anemia. Last evaluated: 2023-10-13. Review status: criteria provided, single submitter. Criteria: Invitae Variant Classification Sherloc (09022015). Collection method: clinical testing. Allele origin: germline.
Comment: This sequence change replaces proline, which is neutral and non-polar, with arginine, which is basic and polar, at codon 667 of the FANCA protein (p.Pro667Arg). This variant is present in population databases (rs755293596, gnomAD 0.004%). This missense change has been observed in individual(s) with clinical features of FANCA-related conditions (PMID: 28870985, 30086788). Advanced modeling of protein sequence and biophysical properties (such as structural, functional, and spatial information, amino acid conservation, physicochemical variation, residue mobility, and thermodynamic stability) performed at Invitae indicates that this missense variant is expected to disrupt FANCA protein function. In summary, the available evidence is currently insufficient to determine the role of this variant in disease. Therefore, it has been classified as a Variant of Uncertain Significance.

Blueprint Genetics
Classification: Uncertain significance. Last evaluated: 2021-08-26. Review status: criteria provided, single submitter. Criteria: ACMG Guidelines, 2015. Collection method: clinical testing. Allele origin: germline.

Literature cited by the submitters: PubMed 28870985 (cited by Labcorp Genetics (formerly Invitae), Labcorp); PubMed 30086788 (cited by Labcorp Genetics (formerly Invitae), Labcorp).